The following is an entry in ClinVar:

NM_000038.6(APC):c.5533C>T (p.His1845Tyr)

Gene: APC (APC regulator of Wnt signaling pathway; plus strand). Cytogenetic location: 5q22.2.
Variant type: single nucleotide variant.
Coding change: c.5533C>T on transcript NM_000038.6 (MANE Select); coding-DNA position 5533, C replaced by T.
Protein change: p.His1845Tyr; replaces histidine 1845 with tyrosine.
Molecular consequence: missense variant.
Genome position (GRCh38, 1-based): chr5:112,841,127, C>T. VCF-style: chr5-112841127-C-T. GRCh37 (hg19) VCF-style: chr5-112176824-C-T.
Other names: c.5533C>T, p.His1845Tyr (NM_001127510.3, NM_001354895.2); c.5479C>T, p.His1827Tyr (NM_001127511.3); c.5587C>T, p.His1863Tyr (NM_001354896.2); c.5563C>T, p.His1855Tyr (NM_001354897.2); c.5458C>T, p.His1820Tyr (NM_001354898.2); c.5449C>T, p.His1817Tyr (NM_001354899.2); c.5410C>T, p.His1804Tyr (NM_001354900.2); c.5356C>T, p.His1786Tyr (NM_001354901.2); and 5 more; short protein forms H1845Y, H1827Y, H1719Y, H1744Y, H1804Y, H1562Y, H1685Y, H1754Y.
Identifiers: ClinVar variation 411499 (VCV000411499.27), dbSNP rs1060503338, ClinGen allele CA16033438.

ClinVar aggregate classification (germline): Uncertain significance. Review status: criteria provided, multiple submitters, no conflicts (2 of 4 stars). 7 submissions from 7 submitters: Uncertain significance (7). Last evaluated 2025-01-29.

Conditions:
Familial adenomatous polyposis 1 (FAP1). Also called: FAMILIAL ADENOMATOUS POLYPOSIS 1, ATTENUATED; POLYPOSIS, ADENOMATOUS INTESTINAL. Identifiers: MedGen C2713442, MONDO:0021056, OMIM 175100. Disease mechanism: loss of function.
Hereditary cancer-predisposing syndrome. Also called: Tumor predisposition; Hereditary Cancer Syndrome; Hereditary neoplastic syndrome; Neoplastic Syndromes, Hereditary. Identifiers: Orphanet 140162, MedGen C0027672, MeSH D009386, MONDO:0015356.
Classic or attenuated familial adenomatous polyposis. Identifiers: MedGen CN372698, MONDO:0021057.

Allele frequency attached by ClinVar (database versions not stated): TOPMed below 0.00001; gnomAD 0.00001.
gnomAD v4.1: 3 of 1,612,390 alleles (0.00019%); highest among the groups gnomAD compares: African/African-American, 0.0013%; no homozygotes.

Submissions (7):

Labcorp Genetics (formerly Invitae), Labcorp
Classification: Uncertain significance for Familial adenomatous polyposis 1. Last evaluated: 2025-01-29. Review status: criteria provided, single submitter. Criteria: Invitae Variant Classification Sherloc (09022015). Collection method: clinical testing. Allele origin: germline.
Comment: This sequence change replaces histidine, which is basic and polar, with tyrosine, which is neutral and polar, at codon 1845 of the APC protein (p.His1845Tyr). This variant is not present in population databases (gnomAD no frequency). This variant has not been reported in the literature in individuals affected with APC-related conditions. ClinVar contains an entry for this variant (Variation ID: 411499). Invitae Evidence Modeling of protein sequence and biophysical properties (such as structural, functional, and spatial information, amino acid conservation, physicochemical variation, residue mobility, and thermodynamic stability) indicates that this missense variant is not expected to disrupt APC protein function with a negative predictive value of 95%. In summary, the available evidence is currently insufficient to determine the role of this variant in disease. Therefore, it has been classified as a Variant of Uncertain Significance.

Ambry Genetics
Classification: Uncertain significance for Hereditary cancer-predisposing syndrome. Last evaluated: 2024-10-03. Review status: criteria provided, single submitter. Criteria: Ambry Variant Classification Scheme 2023. Collection method: clinical testing. Allele origin: germline.
Comment: The p.H1845Y variant (also known as c.5533C>T), located in coding exon 15 of the APC gene, results from a C to T substitution at nucleotide position 5533. The histidine at codon 1845 is replaced by tyrosine, an amino acid with similar properties. This amino acid position is highly conserved in available vertebrate species. In addition, in silico predictors for this gene do not accurately predict pathogenicity. Missense alterations in APC are not a common cause of disease (Spier I et al. Genet Med. 2024 Feb;26(2):100992). Based on the available evidence, the clinical significance of this variant remains unclear.

Color Diagnostics, LLC DBA Color Health
Classification: Uncertain significance for Hereditary cancer-predisposing syndrome. Last evaluated: 2024-03-06. Review status: criteria provided, single submitter. Criteria: ACMG Guidelines, 2015. Collection method: clinical testing. Allele origin: germline.
Comment: This missense variant replaces histidine with tyrosine at codon 1845 of the APC protein. Computational prediction suggests that this variant may not impact protein structure and function (internally defined REVEL score threshold <= 0.5, PMID: 27666373). To our knowledge, functional studies have not been reported for this variant. This variant has not been reported in individuals affected with APC-related disorders in the literature. This variant has not been identified in the general population by the Genome Aggregation Database (gnomAD). The available evidence is insufficient to determine the role of this variant in disease conclusively. Therefore, this variant is classified as a Variant of Uncertain Significance.

All of Us Research Program, National Institutes of Health
Classification: Uncertain significance for Classic or attenuated familial adenomatous polyposis. Last evaluated: 2024-03-05. Review status: criteria provided, single submitter. Criteria: ACMG Guidelines, 2015. Collection method: clinical testing. Allele origin: germline. Inheritance: Autosomal dominant inheritance. Observed: 3 variant alleles, 3 heterozygotes.
Comment: This missense variant replaces histidine with tyrosine at codon 1845 of the APC protein. Computational prediction suggests that this variant may not impact protein structure and function (internally defined REVEL score threshold <= 0.5, PMID: 27666373). Splice site prediction tools suggest that this variant may not impact RNA splicing. To our knowledge, functional studies have not been performed for this variant. This variant has not been reported in individuals affected with hereditary cancer in the literature. This variant has not been identified in the general population by the Genome Aggregation Database (gnomAD). The available evidence is insufficient to determine the role of this variant in disease conclusively. Therefore, this variant is classified as a Variant of Uncertain Significance.

This study involves interpretation of variants in research participants for the purpose of population health screening. Participant phenotype was not available at the time of variant classification. Additional details can be found in publication PMID: 35346344, PMCID: PMC8962531

GeneDx
Classification: Uncertain significance. Last evaluated: 2024-02-20. Review status: criteria provided, single submitter. Criteria: GeneDx Variant Classification Process June 2021. Collection method: clinical testing. Allele origin: germline. Affected: yes.
Comment: Not observed at significant frequency in large population cohorts (gnomAD); In silico analysis supports that this missense variant does not alter protein structure/function; Has not been previously published as pathogenic or benign to our knowledge; This variant is associated with the following publications: (PMID: 18199528)

Baylor Genetics
Classification: Uncertain significance for Familial adenomatous polyposis 1. Last evaluated: 2023-10-11. Review status: criteria provided, single submitter. Criteria: ACMG Guidelines, 2015. Collection method: clinical testing. Allele origin: unknown.

Quest Diagnostics Nichols Institute San Juan Capistrano
Classification: Uncertain significance. Last evaluated: 2020-02-24. Review status: criteria provided, single submitter. Criteria: Quest Diagnostics criteria. Collection method: clinical testing. Allele origin: unknown.